The following is an entry in ClinVar:

NM_000051.4(ATM):c.8129A>T (p.Lys2710Met)

Genes: ATM (ATM serine/threonine kinase; plus strand), C11orf65 (chromosome 11 open reading frame 65; minus strand). Cytogenetic location: 11q22.3.
Variant type: single nucleotide variant.
Coding change: c.8129A>T on transcript NM_000051.4 (MANE Select); coding-DNA position 8129, A replaced by T.
Protein change: p.Lys2710Met; replaces lysine 2710 with methionine.
Molecular consequence: missense variant. On other transcripts: intron variant (2).
Genome position (GRCh38, 1-based): chr11:108,335,087, A>T. VCF-style: chr11-108335087-A-T. GRCh37 (hg19) VCF-style: chr11-108205814-A-T.
Other names: c.*38+133T>A (NM_001351110.2); c.8129A>T, p.Lys2710Met (NM_001351834.2); c.641-26016T>A (NM_001330368.2); short protein forms K2710M.
Identifiers: ClinVar variation 838469 (VCV000838469.48), dbSNP rs587782001, ClinGen allele CA382562187.

ClinVar aggregate classification (germline): Uncertain significance (1 of 4 stars; one submission).

Conditions:
Ataxia-telangiectasia syndrome (AT). Also called: ATAXIA-TELANGIECTASIA, COMPLEMENTATION GROUP A; ATAXIA-TELANGIECTASIA, FRESNO VARIANT; Ataxia-telangiectasia; Ataxia-telangiectasia, complementation group D; AT, COMPLEMENTATION GROUP C; Ataxia-telangiectasia, complementation group E. Identifiers: Orphanet 100, MedGen C0004135, MONDO:0008840, OMIM 208900.

Submission:

Labcorp Genetics (formerly Invitae), Labcorp
Classification: Uncertain significance for Ataxia-telangiectasia syndrome. Last evaluated: 2019-12-24. Review status: criteria provided, single submitter. Criteria: Invitae Variant Classification Sherloc (09022015). Collection method: clinical testing. Allele origin: germline.
Comment: In summary, the available evidence is currently insufficient to determine the role of this variant in disease. Therefore, it has been classified as a Variant of Uncertain Significance. Algorithms developed to predict the effect of missense changes on protein structure and function are either unavailable or do not agree on the potential impact of this missense change (SIFT: "Tolerated"; PolyPhen-2: "Possibly Damaging"; Align-GVGD: "Class C0"). This variant has not been reported in the literature in individuals with ATM-related conditions. This variant is not present in population databases (ExAC no frequency). This sequence change replaces lysine with methionine at codon 2710 of the ATM protein (p.Lys2710Met). The lysine residue is moderately conserved and there is a moderate physicochemical difference between lysine and methionine.